The following is an entry in ClinVar:

ClinVar aggregate classification (germline): Conflicting classifications of pathogenicity. Review status: criteria provided, conflicting classifications (1 of 4 stars). 8 submissions from 8 submitters: Uncertain significance (1); Benign (2); Likely benign (5). Last evaluated 2026-01-19.

Conditions:
DNMT1-related disorder. Also called: DNMT1-related condition. Identifiers: MedGen CN381527.
Hereditary sensory neuropathy-deafness-dementia syndrome. Also called: NEUROPATHY, HEREDITARY SENSORY, WITH HEARING LOSS AND DEMENTIA; HSN IE; Hereditary sensory neuropathy type IE; Hereditary Sensory and Autonomic Neuropathy Type 1E (HSAN1E). Identifiers: Orphanet 456318, MedGen C3279885, MONDO:0013584, OMIM 614116.
Inborn genetic diseases. Identifiers: MedGen C0950123, MeSH D030342.

Allele frequency attached by ClinVar (database versions not stated): ESP Exome Variant Server 0.00008; TOPMed 0.00022; gnomAD 0.00023 and 0.00025; ExAC 0.00049; gnomAD exomes 0.00049 and 0.00060.
gnomAD v4.1: 903 of 1,613,884 alleles (0.056%); highest among the groups gnomAD compares: South Asian, 0.23%; 6 homozygotes.

Submissions (8):

Labcorp Genetics (formerly Invitae), Labcorp
Classification: Likely benign for Hereditary sensory neuropathy-deafness-dementia syndrome. Last evaluated: 2026-01-19. Review status: criteria provided, single submitter. Criteria: Invitae Variant Classification Sherloc (09022015). Collection method: clinical testing. Allele origin: germline.

PreventionGenetics, part of Exact Sciences
Classification: Likely benign for DNMT1-related condition. Last evaluated: 2025-05-21. Review status: criteria provided, single submitter. Criteria: ACMG Guidelines, 2015. Collection method: clinical testing. Allele origin: germline.
Comment: This variant is classified as likely benign based on ACMG/AMP sequence variant interpretation guidelines (Richards et al. 2015 PMID: 25741868, with internal and published modifications).

Blueprint Genetics
Classification: Likely benign. Last evaluated: 2024-10-07. Review status: criteria provided, single submitter. Criteria: ACMG Guidelines, 2015. Collection method: clinical testing. Allele origin: germline.

GeneDx
Classification: Likely benign. Last evaluated: 2024-05-29. Review status: criteria provided, single submitter. Criteria: GeneDx Variant Classification Process June 2021. Collection method: clinical testing. Allele origin: germline. Affected: yes.
Comment: See Variant Classification Assertion Criteria.

Ambry Genetics
Classification: Likely benign for Inborn genetic diseases. Last evaluated: 2022-12-19. Review status: criteria provided, single submitter. Criteria: Ambry Variant Classification Scheme 2023. Collection method: clinical testing. Allele origin: germline.

CeGaT Center for Human Genetics Tuebingen
Classification: Benign. Last evaluated: 2022-04-01. Review status: criteria provided, single submitter. Criteria: CeGaT Center For Human Genetics Tuebingen Variant Classification Criteria Version 2. Collection method: clinical testing. Allele origin: germline. Affected: yes. Observed: 1 variant allele.
Comment: DNMT1: BS1, BS2

ARUP Laboratories, Molecular Genetics and Genomics, ARUP Laboratories
Classification: Uncertain significance. Last evaluated: 2018-05-07. Review status: criteria provided, single submitter. Criteria: ARUP Molecular Germline Variant Investigation Process. Collection method: clinical testing. Allele origin: germline.
Comment: The DNMT1 c.575C>T; p.Ala192Val variant (rs62621089, ClinVar variant ID 246280), to our knowledge, is not reported in the medical literature, gene specific variation databases, nor has it been previously identified by our laboratory. This variant is listed in the genome Aggregation Database (gnomAD) with a South Asian population frequency of 0.2% (identified on 67 out of 30,782 chromosomes). The alanine at position 192 is weakly conserved, considering 12 species, and computational analyses of the effects of the p.Ala192Val variant on protein structure and function make conflicting predictions (SIFT: damaging, PolyPhen-2: benign). Based on the available information, the clinical significance of the p.Ala192Val variant cannot be determined with certainty.

Illumina Laboratory Services, Illumina
Classification: Benign for Hereditary sensory neuropathy-deafness-dementia syndrome. Last evaluated: 2018-01-12. Review status: criteria provided, single submitter. Criteria: ICSL Variant Classification Criteria 13 December 2019. Collection method: clinical testing. Allele origin: germline.
Comment: This variant was observed in the ICSL laboratory as part of a predisposition screen in an ostensibly healthy population. It had not been previously curated by ICSL or reported in the Human Gene Mutation Database (HGMD: prior to June 1st, 2018), and was therefore a candidate for classification through an automated scoring system. Utilizing variant allele frequency, disease prevalence and penetrance estimates, and inheritance mode, an automated score was calculated to assess if this variant is too frequent to cause the disease. Based on the score and internal cut-off values, a variant classified as benign is not then subjected to further curation. The score for this variant resulted in a classification of benign for this disease.

NM_001130823.3(DNMT1):c.575C>T (p.Ala192Val)

Gene: DNMT1 (DNA methyltransferase 1; minus strand). Cytogenetic location: 19p13.2.
Variant type: single nucleotide variant.
Coding change: c.575C>T on transcript NM_001130823.3 (MANE Select); coding-DNA position 575, C replaced by T.
Protein change: p.Ala192Val; replaces alanine 192 with valine.
Molecular consequence: missense variant.
Genome position (GRCh38, 1-based): chr19:10,175,613, G>A on the plus strand (C>T on the coding strand, the complement: DNMT1 is on the minus strand). VCF-style: chr19-10175613-G-A. GRCh37 (hg19) VCF-style: chr19-10286289-G-A.
Other names: c.575C>T (LRG_362t1, NM_001130823.2); c.527C>T, p.Ala176Val (NM_001318730.2, NM_001379.4); c.212C>T, p.Ala71Val (NM_001318731.2); short protein forms A192V, A176V, A71V.
Identifiers: ClinVar variation 246280 (VCV000246280.52), dbSNP rs62621089, ClinGen allele CA9188688.